The following is an entry in ClinVar:

ClinVar aggregate classification (germline): Likely pathogenic (1 of 4 stars; one submission).

Conditions:
Tuberous sclerosis 2 (TSC2). Identifiers: Orphanet 805, MedGen C1860707, MONDO:0013199, OMIM 613254.

Submission:

Labcorp Genetics (formerly Invitae), Labcorp
Classification: Likely pathogenic for Tuberous sclerosis 2. Last evaluated: 2024-02-14. Review status: criteria provided, single submitter. Criteria: Invitae Variant Classification Sherloc (09022015). Collection method: clinical testing. Allele origin: germline.
Comment: This sequence change falls in intron 40 of the TSC2 gene. It does not directly change the encoded amino acid sequence of the TSC2 protein. It affects a nucleotide within the consensus splice site. This variant is not present in population databases (gnomAD no frequency). This variant has been observed in individual(s) with tuberous sclerosis complex (Invitae). ClinVar contains an entry for this variant (Variation ID: 1026365). Variants that disrupt the consensus splice site are a relatively common cause of aberrant splicing (PMID: 17576681, 9536098). Algorithms developed to predict the effect of sequence changes on RNA splicing suggest that this variant may disrupt the consensus splice site. This variant disrupts the c.5160+5G nucleotide in the TSC2 gene. Other variant(s) that disrupt this nucleotide have been determined to be pathogenic (PMID: 10570911, 16114042, 29196670, 32313033). This suggests that this nucleotide is clinically significant, and that variants that disrupt this position are likely to be disease-causing. In summary, the currently available evidence indicates that the variant is pathogenic, but additional data are needed to prove that conclusively. Therefore, this variant has been classified as Likely Pathogenic.

Literature cited by the submitters: PubMed 17576681; PubMed 9536098; PubMed 10570911; PubMed 16114042; PubMed 29196670; PubMed 32313033.

NM_000548.5(TSC2):c.5160+5del

Gene: TSC2 (TSC complex subunit 2; plus strand). Cytogenetic location: 16p13.3.
Variant type: Deletion.
Coding change: c.5160+5del on transcript NM_000548.5 (MANE Select); 5 bases into the intron after coding-DNA position 5160, one base deleted (G; older notation c.5160+5delG).
Molecular consequence: intron variant.
Genome position (GRCh38, 1-based): chr16:2,088,144, G deleted. VCF-style (leftmost placement, unchanged base first): chr16-2088143-AG-A. GRCh37 (hg19) VCF-style: chr16-2138144-AG-A.
Other names: c.5091+5del (NM_001114382.3); c.5031+5del (NM_021055.3, NM_001370405.1); c.4962+5del (NM_001363528.2); c.5028+5del (NM_001370404.1); c.4959+5del (NM_001077183.3); c.4851+5del (NM_001318827.2); c.4428+5del (NM_001318831.2); c.4815+5del (NM_001318829.2); and 1 more.
Identifiers: ClinVar variation 1026365 (VCV001026365.8), dbSNP rs2091103854, ClinGen allele CA2202031035.